The following is an entry in ClinVar:

ClinVar aggregate classification (germline): Uncertain significance. Review status: criteria provided, multiple submitters, no conflicts (2 of 4 stars). 2 submissions from 2 submitters: Uncertain significance (2). Last evaluated 2025-12-31.

Conditions:
Hypertrophic cardiomyopathy 26. Also called: Cardiomyopathy, familial hypertrophic, 26. Identifiers: Orphanet 75249, MedGen C4310749, MONDO:0014883, OMIM 617047.
Distal myopathy with posterior leg and anterior hand involvement. Also called: WILLIAMS DISTAL MYOPATHY. Identifiers: Orphanet 63273, MedGen C3279722, MONDO:0013550, OMIM 614065.
Myofibrillar myopathy 5. Also called: Filaminopathy (type); FILAMINOPATHY, AUTOSOMAL DOMINANT. Identifiers: Orphanet 171445, MedGen C1836050, MONDO:0012289, OMIM 609524.

Allele frequency attached by ClinVar (database versions not stated): gnomAD exomes below 0.00001; gnomAD 0.00001; TOPMed 0.00001.
gnomAD v4.1: 6 of 1,537,708 alleles (0.00039%); highest among the groups gnomAD compares: Non-Finnish European, 0.00052%; no homozygotes.

Submissions (2):

Labcorp Genetics (formerly Invitae), Labcorp
Classification: Uncertain significance for Distal myopathy with posterior leg and anterior hand involvement; Myofibrillar myopathy 5; Hypertrophic cardiomyopathy 26. Last evaluated: 2025-12-31. Review status: criteria provided, single submitter. Criteria: Invitae Variant Classification Sherloc (09022015). Collection method: clinical testing. Allele origin: germline.
Comment: This sequence change replaces histidine, which is basic and polar, with tyrosine, which is neutral and polar, at codon 1765 of the FLNC protein (p.His1765Tyr). This variant is not present in population databases (gnomAD no frequency). This variant has not been reported in the literature in individuals affected with FLNC-related conditions. ClinVar contains an entry for this variant (Variation ID: 930953). An algorithm developed to predict the effect of missense changes on protein structure and function (PolyPhen-2) suggests that this variant is likely to be tolerated. In summary, the available evidence is currently insufficient to determine the role of this variant in disease. Therefore, it has been classified as a Variant of Uncertain Significance.

Centre for Mendelian Genomics, University Medical Centre Ljubljana
Classification: Uncertain significance for Hypertrophic cardiomyopathy 26. Last evaluated: 2020-03-17. Review status: criteria provided, single submitter. Criteria: ACMG Guidelines, 2015. Collection method: clinical testing. Allele origin: unknown. Affected: yes.
Comment: This variant was classified as: Uncertain significance. The available evidence on this variant's pathogenicity is insufficient or conflicting. The following ACMG criteria were applied in classifying this variant: PM2,BP4.

NM_001458.5(FLNC):c.5293C>T (p.His1765Tyr)

Gene: FLNC (filamin C; plus strand). Cytogenetic location: 7q32.1.
Variant type: single nucleotide variant.
Coding change: c.5293C>T on transcript NM_001458.5 (MANE Select); coding-DNA position 5293, C replaced by T.
Protein change: p.His1765Tyr; replaces histidine 1765 with tyrosine.
Molecular consequence: missense variant. On other transcripts: intron variant (1).
Genome position (GRCh38, 1-based): chr7:128,850,069, C>T. VCF-style: chr7-128850069-C-T. GRCh37 (hg19) VCF-style: chr7-128490123-C-T.
Other names: c.5200-315C>T (NM_001127487.2); short protein forms H1765Y.
Identifiers: ClinVar variation 930953 (VCV000930953.6), dbSNP rs1263073740, ClinGen allele CA369204772.
Genomic context (GRCh38, chr7:128,850,069, plus strand): 5'-TCTGAAGTGCCACAGCTGCGCCAGCCCTACGCTCCTCCCCGGCCCGGCGCCCGCCCCACA[C>T]ACTGGGTACTGCGCCTCCCACCAGGCGATGTCCTCCTCCTCCTCCCCTTCCTTCATTTCT-3'
Protein context (NP_001449.3, residues 1755-1775): APPRPGARPT[His1765Tyr]WATEEPVVPV